The following is an entry in ClinVar:

NM_007373.4(SHOC2):c.332C>T (p.Ser111Phe)

Gene: SHOC2 (SHOC2 leucine rich repeat scaffold protein; plus strand). Cytogenetic location: 10q25.2.
Variant type: single nucleotide variant.
Coding change: c.332C>T on transcript NM_007373.4 (MANE Select); coding-DNA position 332, C replaced by T.
Protein change: p.Ser111Phe; replaces serine 111 with phenylalanine.
Molecular consequence: missense variant.
Genome position (GRCh38, 1-based): chr10:110,964,690, C>T. VCF-style: chr10-110964690-C-T. GRCh37 (hg19) VCF-style: chr10-112724448-C-T.
Other names: c.332C>T, p.Ser111Phe (NM_001269039.3, NM_001324336.2, NM_001324337.2); short protein forms S111F.
Identifiers: ClinVar variation 1334278 (VCV001334278.10), dbSNP rs149084468, ClinGen allele CA5689576.

ClinVar aggregate classification (germline): Uncertain significance. Review status: criteria provided, multiple submitters, no conflicts (2 of 4 stars). 3 submissions from 3 submitters: Uncertain significance (3). Last evaluated 2025-12-05.

Conditions:
RASopathy. Also called: rasopathies; Noonan spectrum disorder. Identifiers: Orphanet 536391, MedGen C5555857, MONDO:0021060.
Noonan syndrome and Noonan-related syndrome. Identifiers: Orphanet 98733, MedGen C5681679, MONDO:0020297.

Allele frequency attached by ClinVar (database versions not stated): gnomAD exomes below 0.00001; TOPMed below 0.00001; ExAC 0.00001; gnomAD 0.00001; ESP Exome Variant Server 0.00008.
gnomAD v4.1: 7 of 1,614,022 alleles (0.00043%); highest among the groups gnomAD compares: African/African-American, 0.0013%; no homozygotes.

Submissions (3):

Women's Health and Genetics/Laboratory Corporation of America, LabCorp
Classification: Uncertain significance. Last evaluated: 2025-12-05. Review status: criteria provided, single submitter. Criteria: LabCorp Variant Classification Summary - May 2015. Collection method: clinical testing. Allele origin: germline.

Labcorp Genetics (formerly Invitae), Labcorp
Classification: Uncertain significance for RASopathy. Last evaluated: 2021-10-07. Review status: criteria provided, single submitter. Criteria: Invitae Variant Classification Sherloc (09022015). Collection method: clinical testing. Allele origin: germline.
Comment: Algorithms developed to predict the effect of missense changes on protein structure and function are either unavailable or do not agree on the potential impact of this missense change (SIFT: "Deleterious"; PolyPhen-2: "Probably Damaging"; Align-GVGD: "Class C0"). This variant has not been reported in the literature in individuals affected with SHOC2-related conditions. This variant is present in population databases (rs149084468, ExAC 0.002%). This sequence change replaces serine with phenylalanine at codon 111 of the SHOC2 protein (p.Ser111Phe). The serine residue is highly conserved and there is a large physicochemical difference between serine and phenylalanine. In summary, the available evidence is currently insufficient to determine the role of this variant in disease. Therefore, it has been classified as a Variant of Uncertain Significance.

Genome Diagnostics Laboratory, The Hospital for Sick Children
Classification: Uncertain significance for Noonan syndrome and Noonan-related syndrome. Last evaluated: 2016-12-12. Review status: criteria provided, single submitter. Criteria: ACMG Guidelines, 2015. Collection method: clinical testing. Allele origin: germline.